The following is an entry in ClinVar:

ClinVar aggregate classification (germline): Benign. Review status: criteria provided, multiple submitters, no conflicts (2 of 4 stars). 2 submissions from 2 submitters: Benign (2). Last evaluated 2018-01-13.

Conditions:
Hypoparathyroidism, deafness, renal disease syndrome (HDRS). Also called: HYPOPARATHYROIDISM, SENSORINEURAL DEAFNESS, AND RENAL DYSPLASIA SYNDROME. Identifiers: Orphanet 2237, MedGen C1840333, MONDO:0007797, OMIM 146255.

Allele frequency attached by ClinVar (database versions not stated): gnomAD 0.00074 and 0.00118; TOPMed 0.00083; 1000 Genomes Project 0.00339; 1000 Genomes Project 30x 0.00453.
gnomAD v4.1: 1,758 of 1,369,584 alleles (0.13%); highest among the groups gnomAD compares: South Asian, 1.2%; 13 homozygotes.

Submissions (2):

Illumina Laboratory Services, Illumina
Classification: Benign for Hypoparathyroidism, deafness, renal disease syndrome. Last evaluated: 2018-01-13. Review status: criteria provided, single submitter. Criteria: ICSL Variant Classification Criteria 13 December 2019. Collection method: clinical testing. Allele origin: germline.
Comment: This variant was observed in the ICSL laboratory as part of a predisposition screen in an ostensibly healthy population. It had not been previously curated by ICSL or reported in the Human Gene Mutation Database (HGMD: prior to June 1st, 2018), and was therefore a candidate for classification through an automated scoring system. Utilizing variant allele frequency, disease prevalence and penetrance estimates, and inheritance mode, an automated score was calculated to assess if this variant is too frequent to cause the disease. Based on the score and internal cut-off values, a variant classified as benign is not then subjected to further curation. The score for this variant resulted in a classification of benign for this disease.

Breakthrough Genomics
Classification: Benign. Review status: criteria provided, single submitter. Criteria: ACMG Guidelines, 2015. Collection method: not provided. Allele origin: germline. Inheritance: Autosomal dominant inheritance. Affected: yes.

NM_001002295.2(GATA3):c.-95G>T

Gene: GATA3 (GATA binding protein 3; plus strand). Cytogenetic location: 10p14.
Variant type: single nucleotide variant.
Coding change: c.-95G>T on transcript NM_001002295.2 (MANE Select); 95 bases upstream of the start codon, G replaced by T.
Molecular consequence: 5 prime UTR variant.
Genome position (GRCh38, 1-based): chr10:8,055,561, G>T. VCF-style: chr10-8055561-G-T. GRCh37 (hg19) VCF-style: chr10-8097524-G-T.
Other names: c.-95G>T (NM_002051.3).
Identifiers: ClinVar variation 301111 (VCV000301111.6), dbSNP rs369825935, ClinGen allele CA10636153.